The following is an entry in ClinVar:

NM_001267550.2(TTN):c.43857del (p.Phe14619fs)

Gene: TTN (titin; minus strand). Cytogenetic location: 2q31.2.
Variant type: Deletion.
Coding change: c.43857del on transcript NM_001267550.2 (MANE Select); coding-DNA position 43857, one base deleted (T; older notation c.43857delT).
Protein change: p.Phe14619fs; shifts the reading frame from phenylalanine 14619.
Molecular consequence: frameshift variant.
Genome position (GRCh38, 1-based): chr2:178,631,191, A deleted on the plus strand (T on the coding strand, the reverse complement: TTN is on the minus strand); the first of 3 consecutive A bases (chr2:178,631,191-178,631,193); deleting any one gives the same sequence. VCF-style (leftmost placement, unchanged base first): chr2-178631190-TA-T. GRCh37 (hg19) VCF-style: chr2-179495917-TA-T.
Other names: c.38934del, p.Phe12978fs (NM_001256850.1); c.16662del, p.Phe5554fs (NM_003319.4); c.36153del, p.Phe12051fs (NM_133378.4); c.17037del, p.Phe5679fs (NM_133432.3); c.17238del, p.Phe5746fs (NM_133437.4); c.16662delT (NM_003319.4); short protein forms F14619fs, F12051fs, F5554fs, F12978fs, F5679fs, F5746fs.
Identifiers: ClinVar variation 4193749 (VCV004193749.1).

ClinVar aggregate classification (germline): Likely pathogenic (1 of 4 stars; one submission).

Conditions:
Cardiovascular phenotype. Identifiers: MedGen CN230736.

Submission:

Ambry Genetics
Classification: Likely pathogenic for Cardiovascular phenotype. Last evaluated: 2025-08-11. Review status: criteria provided, single submitter. Criteria: Ambry Variant Classification Scheme 2023. Collection method: clinical testing. Allele origin: germline.
Comment: The c.16662delT variant, located in coding exon 64 of the TTN gene, results from a deletion of one nucleotide at nucleotide position 16662, causing a translational frameshift with a predicted alternate stop codon (p.F5554Lfs*7). This exon is located in the I-band region of the N2-B isoform of the titin protein and is constitutively expressed in TTN transcripts (percent spliced in or PSI 100%). This variant is expected to result in loss of function by premature protein truncation or nonsense-mediated mRNA decay. While truncating variants in TTN are present in 1-3% of the general population, truncating variants in the A-band are the most common cause of dilated cardiomyopathy (Herman DS et al. N. Engl. J. Med., 2012 Feb;366:619-28; Roberts AM et al. Sci Transl Med, 2015 Jan;7:270ra6). TTN truncating variants encoded in constitutive exons (PSI >90%) have been found to be significantly associated with DCM regardless of their position in titin (Schafer S et al. Nat. Genet., 2017 01;49:46-53; Akhtar MM et al. Circ Heart Fail, 2020 Oct;13:e006832; Massier M et al. Clin Genet, 2025 Jan). This variant is considered to be rare based on population cohorts in the Genome Aggregation Database (gnomAD). Based on the majority of available evidence to date, this variant is likely to be pathogenic.